The following is an entry in ClinVar:

ClinVar aggregate classification (germline): Likely benign. Review status: criteria provided, multiple submitters, no conflicts (2 of 4 stars). 2 submissions from 2 submitters: Likely benign (2). Last evaluated 2026-01-20.

Allele frequency attached by ClinVar (database versions not stated): gnomAD exomes 0.00003; ExAC 0.00005; gnomAD 0.00009.
gnomAD v4.1: 61 of 1,611,232 alleles (0.0038%); highest among the groups gnomAD compares: Middle Eastern, 0.049%; no homozygotes.

Submissions (2):

Labcorp Genetics (formerly Invitae), Labcorp
Classification: Likely benign. Last evaluated: 2026-01-20. Review status: criteria provided, single submitter. Criteria: Invitae Variant Classification Sherloc (09022015). Collection method: clinical testing. Allele origin: germline.

CeGaT Center for Human Genetics Tuebingen
Classification: Likely benign. Last evaluated: 2022-07-01. Review status: criteria provided, single submitter. Criteria: CeGaT Center For Human Genetics Tuebingen Variant Classification Criteria Version 2. Collection method: clinical testing. Allele origin: germline. Affected: yes. Observed: 1 variant allele.
Comment: CDIN1: BP4, BP7

NM_001321759.2(CDIN1):c.333C>T (p.His111=)

Gene: CDIN1 (CDAN1 interacting nuclease 1; plus strand). Cytogenetic location: 15q14.
Variant type: single nucleotide variant.
Coding change: c.333C>T on transcript NM_001321759.2 (MANE Select); coding-DNA position 333, C replaced by T.
Protein change: p.His111=; no amino-acid change (histidine 111 retained).
Molecular consequence: synonymous variant. On other transcripts: 5 prime UTR variant (1).
Genome position (GRCh38, 1-based): chr15:36,657,892, C>T. VCF-style: chr15-36657892-C-T. GRCh37 (hg19) VCF-style: chr15-36950093-C-T.
Other names: c.333C>T, p.His111= (NM_001130010.3, NM_001290233.2, NM_001321760.2 and 1 more transcripts); c.39C>T, p.His13= (NM_001290232.2, NM_001321756.2, NM_032499.6); c.-71C>T (NM_001321757.2); c.222C>T, p.His74= (NM_001321758.2).
Identifiers: ClinVar variation 2645152 (VCV002645152.26), dbSNP rs745835771, ClinGen allele CA7468800.